The following is an entry in ClinVar:

ClinVar aggregate classification (germline): Benign (1 of 4 stars; one submission).

Conditions:
Mitochondrial complex IV deficiency, nuclear type 1 (MC4DN1). Also called: COX DEFICIENCY; Mitochondrial complex IV deficiency; Complex 4 mitochondrial respiratory chain deficiency; Deficiency of mitochondrial respiratory chain complex4; Complex IV deficiency. Identifiers: MedGen C5435656, MONDO:0700250, OMIM 220110. Disease mechanism: loss of function.

Allele frequency attached by ClinVar (database versions not stated): 1000 Genomes Project 30x 0.18082; TOPMed 0.18490; 1000 Genomes Project 0.18530; gnomAD 0.18633 and 0.18649.
gnomAD v4.1: 28,481 of 151,788 alleles (19%); highest among the groups gnomAD compares: South Asian, 22%; 2,784 homozygotes.

Submission:

Illumina Laboratory Services, Illumina
Classification: Benign for Mitochondrial complex IV deficiency, nuclear type 1. Last evaluated: 2018-01-13. Review status: criteria provided, single submitter. Criteria: ICSL Variant Classification Criteria 13 December 2019. Collection method: clinical testing. Allele origin: germline.
Comment: This variant was observed in the ICSL laboratory as part of a predisposition screen in an ostensibly healthy population. It had not been previously curated by ICSL or reported in the Human Gene Mutation Database (HGMD: prior to June 1st, 2018), and was therefore a candidate for classification through an automated scoring system. Utilizing variant allele frequency, disease prevalence and penetrance estimates, and inheritance mode, an automated score was calculated to assess if this variant is too frequent to cause the disease. Based on the score and internal cut-off values, a variant classified as benign is not then subjected to further curation. The score for this variant resulted in a classification of benign for this disease.

NM_001136193.2(FASTKD2):c.*1215G>A

Gene: FASTKD2 (FAST kinase domains 2; plus strand). Cytogenetic location: 2q33.3.
Variant type: single nucleotide variant.
Coding change: c.*1215G>A on transcript NM_001136193.2 (MANE Select); 1215 bases downstream of the stop codon, G replaced by A.
Molecular consequence: 3 prime UTR variant.
Genome position (GRCh38, 1-based): chr2:206,793,017, G>A. VCF-style: chr2-206793017-G-A. GRCh37 (hg19) VCF-style: chr2-207657741-G-A.
Other names: c.*1215G>A (NM_001136194.2, NM_014929.4).
Identifiers: ClinVar variation 333825 (VCV000333825.5), dbSNP rs111954117, ClinGen allele CA10613733.